The following is an entry in ClinVar:

NM_005902.4(SMAD3):c.871+2T>C

Gene: SMAD3 (SMAD family member 3; plus strand). Cytogenetic location: 15q22.33.
Variant type: single nucleotide variant.
Coding change: c.871+2T>C on transcript NM_005902.4 (MANE Select); the canonical splice donor site of the intron after coding-DNA position 871, T replaced by C.
Molecular consequence: splice donor variant.
Genome position (GRCh38, 1-based): chr15:67,181,455, T>C. VCF-style: chr15-67181455-T-C. GRCh37 (hg19) VCF-style: chr15-67473793-T-C.
Other names: c.871+2T>C (NM_001407011.1, NM_001407013.1); c.739+2T>C (NM_001407012.1, NM_001145103.2); c.724+2T>C (NM_001407014.1); c.556+2T>C (NM_001145102.2, NM_001407016.1); c.424+2T>C (NM_001407015.1); c.286+2T>C (NM_001145104.2, NM_001407017.1).
Identifiers: ClinVar variation 213795 (VCV000213795.9), dbSNP rs863223761, ClinGen allele CA320562.

ClinVar aggregate classification (germline): Conflicting classifications of pathogenicity. Review status: criteria provided, conflicting classifications (1 of 4 stars). 3 submissions from 3 submitters: Pathogenic (1); Likely pathogenic (1); Uncertain significance (1). Last evaluated 2026-01-21.

Conditions:
Loeys-Dietz syndrome (LDS). Identifiers: Orphanet 60030, MedGen C2697932, MONDO:0018954.
Familial thoracic aortic aneurysm and aortic dissection (TAAD). Also called: Thoracic aortic aneurysms and dissections. Identifiers: Orphanet 91387, MedGen C4707243, MONDO:0019625.

Submissions (3):

Labcorp Genetics (formerly Invitae), Labcorp
Classification: Pathogenic for Familial thoracic aortic aneurysm and aortic dissection. Last evaluated: 2026-01-21. Review status: criteria provided, single submitter. Criteria: Invitae Variant Classification Sherloc (09022015). Collection method: clinical testing. Allele origin: germline.
Comment: This sequence change affects a donor splice site in intron 6 of the SMAD3 gene. RNA analysis indicates that disruption of this splice site induces altered splicing and likely results in a shortened protein product. This variant is not present in population databases (gnomAD no frequency). Disruption of this splice site has been observed in individuals with SMAD3-related conditions (PMID: 32597575). It has also been observed to segregate with disease in related individuals. ClinVar contains an entry for this variant (Variation ID: 213795). Studies have shown that disruption of this splice site results in skipping of exon 6, but is expected to preserve the integrity of the reading-frame (PMID: 32597575). For these reasons, this variant has been classified as Pathogenic.

Ambry Genetics
Classification: Uncertain significance for Familial thoracic aortic aneurysm and aortic dissection. Last evaluated: 2023-10-24. Review status: criteria provided, single submitter. Criteria: Ambry Variant Classification Scheme 2023. Collection method: clinical testing. Allele origin: germline.
Comment: The c.871+2T>C intronic variant results from a T to C substitution two nucleotides after coding exon 6 in the SMAD3 gene. Alterations that disrupt the canonical splice site are expected to result in aberrant splicing. This nucleotide position is highly conserved in available vertebrate species. In silico splice site analysis predicts that this alteration will weaken the native splice donor site and may result in the creation or strengthening of a novel splice donor site. Alterations that disrupt the canonical splice site are expected to cause aberrant splicing, resulting in an abnormal protein or a transcript that is subject to nonsense-mediated mRNA decay; however, +2T>C alterations are capable of generating wild-type transcripts in some genomic contexts and should be interpreted with caution (Lin JH et al. Hum Mutat. 2019 10;40:1856-1873). Since supporting evidence is limited at this time, the clinical significance of this alteration remains unclear.

Laboratory for Molecular Medicine, Mass General Brigham Personalized Medicine
Classification: Likely pathogenic for Loeys-Dietz syndrome. Last evaluated: 2020-08-24. Review status: criteria provided, single submitter. Criteria: ACMG Guidelines, 2015. Collection method: clinical testing. Allele origin: germline.
Comment: The c.871+2T>C variant in SMAD3 has not been reported in the literature and was absent from large population studies. This variant is reported in ClinVar (allele ID: 210285). This variant occurs within the canonical splice site (+/- 1,2) and is predicted to cause altered splicing leading to an abnormal or absent protein. Loss of function of the SMAD3 gene is an established disease mechanism in autosomal dominant Loeys-Dietz syndrome. In summary, although additional studies are required to fully establish its clinical significance, this variant meets criteria to be classified as likely pathogenic for autosomal dominant Loeys-Dietz syndrome. ACMG/AMP Criteria applied: PVS1; PM2.

Literature cited by the submitters: PubMed 32597575 (cited by Labcorp Genetics (formerly Invitae), Labcorp and Ambry Genetics).